The following is an entry in ClinVar:

ClinVar aggregate classification (germline): Uncertain significance. Review status: criteria provided, multiple submitters, no conflicts (2 of 4 stars). 6 submissions from 6 submitters: Uncertain significance (6). Last evaluated 2025-12-31.

Conditions:
Inborn genetic diseases. Identifiers: MedGen C0950123, MeSH D030342.
Mevalonic aciduria (MEVA). Identifiers: Orphanet 29, MedGen C1959626, MONDO:0012481, OMIM 610377.
Porokeratosis 3, disseminated superficial actinic type (POROK3). Also called: POROKERATOSIS 3, MULTIPLE TYPES; POROKERATOSIS 3, MIBELLI TYPE; POROKERATOSIS, DISSEMINATED SUPERFICIAL ACTINIC, 1. Identifiers: MedGen C1867981, MONDO:0008293, OMIM 175900.
Hyperimmunoglobulin D with periodic fever (HIDS). Also called: Hyperimmunoglobulinemia D with periodic fever; Hyperimmunoglobulinemia D; HYPERIMMUNOGLOBULINEMIA D AND PERIODIC FEVER SYNDROME. Identifiers: Orphanet 343, MedGen C0398691, MONDO:0009849, OMIM 260920.

Allele frequency attached by ClinVar (database versions not stated): gnomAD exomes below 0.00001 and 0.00001; ExAC 0.00001; TOPMed 0.00002; gnomAD 0.00005.
gnomAD v4.1: 14 of 1,613,386 alleles (0.00087%); highest among the groups gnomAD compares: Admixed American, 0.012%; no homozygotes.

Submissions (6):

Labcorp Genetics (formerly Invitae), Labcorp
Classification: Uncertain significance for Mevalonic aciduria; Hyperimmunoglobulin D with periodic fever; Porokeratosis 3, disseminated superficial actinic type. Last evaluated: 2025-12-31. Review status: criteria provided, single submitter. Criteria: Invitae Variant Classification Sherloc (09022015). Collection method: clinical testing. Allele origin: germline.
Comment: This sequence change replaces proline, which is neutral and non-polar, with serine, which is neutral and polar, at codon 351 of the MVK protein (p.Pro351Ser). This variant is present in population databases (rs773929129, gnomAD 0.0009%). This variant has not been reported in the literature in individuals affected with MVK-related conditions. ClinVar contains an entry for this variant (Variation ID: 578204). An algorithm developed to predict the effect of missense changes on protein structure and function outputs the following: PolyPhen-2: "Benign". The serine amino acid residue is found in multiple mammalian species, which suggests that this missense change does not adversely affect protein function. In summary, the available evidence is currently insufficient to determine the role of this variant in disease. Therefore, it has been classified as a Variant of Uncertain Significance.

Ambry Genetics
Classification: Uncertain significance for Inborn genetic diseases. Last evaluated: 2025-05-05. Review status: criteria provided, single submitter. Criteria: Ambry Variant Classification Scheme 2023. Collection method: clinical testing. Allele origin: germline.

Blueprint Genetics
Classification: Uncertain significance. Last evaluated: 2024-08-14. Review status: criteria provided, single submitter. Criteria: ACMG Guidelines, 2015. Collection method: clinical testing. Allele origin: germline.

Fulgent Genetics
Classification: Uncertain significance for Porokeratosis 3, disseminated superficial actinic type; Hyperimmunoglobulin D with periodic fever; Mevalonic aciduria. Last evaluated: 2022-05-13. Review status: criteria provided, single submitter. Criteria: ACMG Guidelines, 2015. Collection method: clinical testing. Allele origin: unknown.

Genetics and Molecular Pathology, SA Pathology
Classification: Uncertain significance for Hyperimmunoglobulin D with periodic fever. Last evaluated: 2019-07-30. Review status: criteria provided, single submitter. Criteria: ACMG Guidelines, 2015. Collection method: clinical testing. Allele origin: germline. Affected: yes.

ARUP Laboratories, Molecular Genetics and Genomics, ARUP Laboratories
Classification: Uncertain significance. Last evaluated: 2019-03-27. Review status: criteria provided, single submitter. Criteria: ARUP Molecular Germline Variant Investigation Process. Collection method: clinical testing. Allele origin: germline.
Comment: The MVK c.1051C>T; p.Pro351Ser variant (rs773929129), to our knowledge, is not reported in the medical literature or gene-specific databases. The variant is reported in the ClinVar database (Variation ID: 578204) and in the general population in 2 out of 248176 in the Genome Aggregation Database, indicating it is not a common polymorphism. The proline at this position is weakly conserved and computational algorithms (PolyPhen-2, SIFT) predict this variant is tolerated. Due to limited information, the clinical significance of the variant is uncertain at this time.

NM_000431.4(MVK):c.1051C>T (p.Pro351Ser)

Gene: MVK (mevalonate kinase; plus strand). Cytogenetic location: 12q24.11.
Variant type: single nucleotide variant.
Coding change: c.1051C>T on transcript NM_000431.4 (MANE Select); coding-DNA position 1051, C replaced by T.
Protein change: p.Pro351Ser; replaces proline 351 with serine.
Molecular consequence: missense variant.
Genome position (GRCh38, 1-based): chr12:109,596,437, C>T. VCF-style: chr12-109596437-C-T. GRCh37 (hg19) VCF-style: chr12-110034242-C-T.
Other names: c.1051C>T (NM_000431.2); c.1051C>T, p.Pro351Ser (NM_001114185.3); c.895C>T, p.Pro299Ser (NM_001301182.2); short protein forms P351S, P299S.
Identifiers: ClinVar variation 578204 (VCV000578204.22), dbSNP rs773929129, ClinGen allele CA6779451.
Genomic context (GRCh38, chr12:109,596,437, plus strand): 5'-CCCACGGAGCGGAGAGTTGTCAAGGGTGACCTGCCTTCCCTCCCCGCAGGGCTGGAGCAG[C>T]CAGAAGTGGAGGCCACGAAGCAGGCCCTGACCAGCTGTGGCTTTGACTGCTTGGAAACCA-3'
Protein context (NP_000422.1, residues 341-361): ITLLKPGLEQ[Pro351Ser]EVEATKQALT